The following is an entry in ClinVar:

ClinVar aggregate classification (germline): Uncertain significance (1 of 4 stars; one submission).

Submission:

Labcorp Genetics (formerly Invitae), Labcorp
Classification: Uncertain significance. Last evaluated: 2022-03-16. Review status: criteria provided, single submitter. Criteria: Invitae Variant Classification Sherloc (09022015). Collection method: clinical testing. Allele origin: germline.
Comment: In summary, the available evidence is currently insufficient to determine the role of this variant in disease. Therefore, it has been classified as a Variant of Uncertain Significance. Algorithms developed to predict the effect of missense changes on protein structure and function (SIFT, PolyPhen-2, Align-GVGD) all suggest that this variant is likely to be tolerated. This variant has not been reported in the literature in individuals affected with CAPN5-related conditions. This variant is not present in population databases (gnomAD no frequency). This sequence change replaces alanine, which is neutral and non-polar, with serine, which is neutral and polar, at codon 447 of the CAPN5 protein (p.Ala447Ser).

NM_004055.5(CAPN5):c.1339G>T (p.Ala447Ser)

Gene: CAPN5 (calpain 5; plus strand). Cytogenetic location: 11q13.5.
Variant type: single nucleotide variant.
Coding change: c.1339G>T on transcript NM_004055.5 (MANE Select); coding-DNA position 1339, G replaced by T.
Protein change: p.Ala447Ser; replaces alanine 447 with serine.
Molecular consequence: missense variant.
Genome position (GRCh38, 1-based): chr11:77,120,761, G>T. VCF-style: chr11-77120761-G-T. GRCh37 (hg19) VCF-style: chr11-76831807-G-T.
Other names: short protein forms A447S.
Identifiers: ClinVar variation 1968323 (VCV001968323.5), dbSNP rs144340565, ClinGen allele CA381942953.
Genomic context (GRCh38, chr11:77,120,761, plus strand): 5'-CGCCTCCTGCAGGTGGAGGAGAACCGCCAGTACCGCATGCACAGCCTGCAGCACAAGGCC[G>T]CCAGCTCCATCTACATCAACTCACGCAGCGTCTTCCTGCGCACCGACCAGCCCGAGGGCC-3'
Protein context (NP_004046.2, residues 437-457): YRMHSLQHKA[Ala447Ser]SSIYINSRSV